The following is an entry in ClinVar:

ClinVar aggregate classification (germline): Uncertain significance (1 of 4 stars; one submission).

Submission:

GeneDx
Classification: Uncertain significance. Last evaluated: 2026-02-02. Review status: criteria provided, single submitter. Criteria: GeneDx Variant Classification Process June 2021. Collection method: clinical testing. Allele origin: germline. Affected: yes.
Comment: Not observed at significant frequency in large population cohorts (gnomAD); Canonical splice site variant in a gene or region of a gene for which loss of function is not a well-established mechanism of disease; Has not been previously published as pathogenic or benign to our knowledge

NM_152296.5(ATP1A3):c.1193-1G>A

Gene: ATP1A3 (ATPase Na+/K+ transporting subunit alpha 3; minus strand). Cytogenetic location: 19q13.2.
Variant type: single nucleotide variant.
Coding change: c.1193-1G>A on transcript NM_152296.5 (MANE Select); the canonical splice acceptor site of the intron before coding-DNA position 1193, G replaced by A.
Molecular consequence: splice acceptor variant.
Genome position (GRCh38, 1-based): chr19:41,981,832, C>T on the plus strand (G>A on the coding strand, the complement: ATP1A3 is on the minus strand). VCF-style: chr19-41981832-C-T. GRCh37 (hg19) VCF-style: chr19-42485984-C-T.
Other names: c.1232-1G>A (NM_001256214.2); c.1226-1G>A (NM_001256213.2).
Identifiers: ClinVar variation 2506602 (VCV002506602.2), dbSNP rs2514065925, ClinGen allele CA406050624.